The following is an entry in ClinVar:

NM_000091.5(COL4A3):c.713C>G (p.Pro238Arg)

Genes: COL4A3 (collagen type IV alpha 3 chain; plus strand), MFF-DT (MFF divergent transcript; minus strand). Cytogenetic location: 2q36.3.
Variant type: single nucleotide variant.
Coding change: c.713C>G on transcript NM_000091.5 (MANE Select); coding-DNA position 713, C replaced by G.
Protein change: p.Pro238Arg; replaces proline 238 with arginine.
Molecular consequence: missense variant.
Genome position (GRCh38, 1-based): chr2:227,253,586, C>G. VCF-style: chr2-227253586-C-G. GRCh37 (hg19) VCF-style: chr2-228118302-C-G.
Other names: short protein forms P238R.
Identifiers: ClinVar variation 3615372 (VCV003615372.2).

ClinVar aggregate classification (germline): Uncertain significance (1 of 4 stars; one submission).

gnomAD v4.1: 10 of 1,613,886 alleles (0.00062%); highest among the groups gnomAD compares: South Asian, 0.0077%; no homozygotes.

Submission:

Labcorp Genetics (formerly Invitae), Labcorp
Classification: Uncertain significance. Last evaluated: 2024-09-28. Review status: criteria provided, single submitter. Criteria: Invitae Variant Classification Sherloc (09022015). Collection method: clinical testing. Allele origin: germline.
Comment: This sequence change replaces proline, which is neutral and non-polar, with arginine, which is basic and polar, at codon 238 of the COL4A3 protein (p.Pro238Arg). This variant is present in population databases (rs776059644, gnomAD 0.006%). This variant has not been reported in the literature in individuals affected with COL4A3-related conditions. Invitae Evidence Modeling of protein sequence and biophysical properties (such as structural, functional, and spatial information, amino acid conservation, physicochemical variation, residue mobility, and thermodynamic stability) has been performed for this missense variant. However, the output from this modeling did not meet the statistical confidence thresholds required to predict the impact of this variant on COL4A3 protein function. In summary, the available evidence is currently insufficient to determine the role of this variant in disease. Therefore, it has been classified as a Variant of Uncertain Significance.